The following is an entry in ClinVar:

NM_001563.4(IMPG1):c.1981C>T (p.Arg661Cys)

Gene: IMPG1 (interphotoreceptor matrix proteoglycan 1; minus strand). Cytogenetic location: 6q14.1.
Variant type: single nucleotide variant.
Coding change: c.1981C>T on transcript NM_001563.4 (MANE Select); coding-DNA position 1981, C replaced by T.
Protein change: p.Arg661Cys; replaces arginine 661 with cysteine.
Molecular consequence: missense variant.
Genome position (GRCh38, 1-based): chr6:75,947,377, G>A on the plus strand (C>T on the coding strand, the complement: IMPG1 is on the minus strand). VCF-style: chr6-75947377-G-A. GRCh37 (hg19) VCF-style: chr6-76657094-G-A.
Other names: c.1981C>T (NM_001563.2); c.1747C>T, p.Arg583Cys (NM_001282368.2); short protein forms R661C, R583C.
Identifiers: ClinVar variation 936961 (VCV000936961.11), dbSNP rs761693136, ClinGen allele CA3897987.

ClinVar aggregate classification (germline): Uncertain significance. Review status: criteria provided, multiple submitters, no conflicts (2 of 4 stars). 3 submissions from 3 submitters: Uncertain significance (3). Last evaluated 2025-04-23.

Allele frequency attached by ClinVar (database versions not stated): gnomAD 0.00001; TOPMed 0.00002; ExAC 0.00003; gnomAD exomes 0.00003 and 0.00004.
gnomAD v4.1: 45 of 1,613,826 alleles (0.0028%); highest among the groups gnomAD compares: South Asian, 0.024%; no homozygotes.

Submissions (3):

Labcorp Genetics (formerly Invitae), Labcorp
Classification: Uncertain significance. Last evaluated: 2025-04-23. Review status: criteria provided, single submitter. Criteria: Invitae Variant Classification Sherloc (09022015). Collection method: clinical testing. Allele origin: germline.
Comment: This sequence change replaces arginine, which is basic and polar, with cysteine, which is neutral and slightly polar, at codon 661 of the IMPG1 protein (p.Arg661Cys). This variant is present in population databases (rs761693136, gnomAD 0.02%). This variant has not been reported in the literature in individuals affected with IMPG1-related conditions. ClinVar contains an entry for this variant (Variation ID: 936961). An algorithm developed to predict the effect of missense changes on protein structure and function outputs the following: PolyPhen-2: "Benign". The cysteine amino acid residue is found in multiple mammalian species, which suggests that this missense change does not adversely affect protein function. In summary, the available evidence is currently insufficient to determine the role of this variant in disease. Therefore, it has been classified as a Variant of Uncertain Significance.

Blueprint Genetics
Classification: Uncertain significance. Last evaluated: 2024-11-04. Review status: criteria provided, single submitter. Criteria: ACMG Guidelines, 2015. Collection method: clinical testing. Allele origin: germline.

Ambry Genetics
Classification: Uncertain significance. Last evaluated: 2021-10-26. Review status: criteria provided, single submitter. Criteria: Ambry Variant Classification Scheme 2023. Collection method: clinical testing. Allele origin: germline.